The following is an entry in ClinVar:

NM_015466.4(PTPN23):c.1637C>A (p.Ser546Tyr)

Gene: PTPN23 (protein tyrosine phosphatase non-receptor type 23; plus strand). Cytogenetic location: 3p21.31.
Variant type: single nucleotide variant.
Coding change: c.1637C>A on transcript NM_015466.4 (MANE Select); coding-DNA position 1637, C replaced by A.
Protein change: p.Ser546Tyr; replaces serine 546 with tyrosine.
Molecular consequence: missense variant.
Genome position (GRCh38, 1-based): chr3:47,409,082, C>A. VCF-style: chr3-47409082-C-A. GRCh37 (hg19) VCF-style: chr3-47450572-C-A.
Other names: c.1259C>A, p.Ser420Tyr (NM_001304482.2); short protein forms S420Y, S546Y.
Identifiers: ClinVar variation 2825126 (VCV002825126.3), dbSNP rs2546246896, ClinGen allele CA352554475.
Genomic context (GRCh38, chr3:47,409,082, plus strand): 5'-TGCGCCTGCTCAGCGGGCCGCTTGACCAGGTCCGGGCTGCCCTGCCCACACCGGCCCTCT[C>A]CCCAGGTGAGCCCCACCAGACCCCATTGGGAGACTCGAGCTGGGGGTTTCTCTGGCCTCA-3'
Protein context (NP_056281.1, residues 536-556): VRAALPTPAL[Ser546Tyr]PEDKAVLQNL

ClinVar aggregate classification (germline): Uncertain significance (1 of 4 stars; one submission).

Submission:

Labcorp Genetics (formerly Invitae), Labcorp
Classification: Uncertain significance. Last evaluated: 2022-12-30. Review status: criteria provided, single submitter. Criteria: Invitae Variant Classification Sherloc (09022015). Collection method: clinical testing. Allele origin: germline.
Comment: This variant is not present in population databases (gnomAD no frequency). In summary, the available evidence is currently insufficient to determine the role of this variant in disease. Therefore, it has been classified as a Variant of Uncertain Significance. Algorithms developed to predict the effect of missense changes on protein structure and function are either unavailable or do not agree on the potential impact of this missense change (SIFT: "Tolerated"; PolyPhen-2: "Not Available"; Align-GVGD: "Class C0"). This variant has not been reported in the literature in individuals affected with PTPN23-related conditions. This sequence change replaces serine, which is neutral and polar, with tyrosine, which is neutral and polar, at codon 546 of the PTPN23 protein (p.Ser546Tyr).